The following is an entry in ClinVar:

NM_174936.4(PCSK9):c.1764C>A (p.Cys588Ter)

Gene: PCSK9 (proprotein convertase subtilisin/kexin type 9; plus strand). Cytogenetic location: 1p32.3.
Variant type: single nucleotide variant.
Coding change: c.1764C>A on transcript NM_174936.4 (MANE Select); coding-DNA position 1764, C replaced by A.
Protein change: p.Cys588Ter; replaces cysteine 588 with a stop codon.
Molecular consequence: nonsense. On other transcripts: non-coding transcript variant (8).
Genome position (GRCh38, 1-based): chr1:55,061,457, C>A. VCF-style: chr1-55061457-C-A. GRCh37 (hg19) VCF-style: chr1-55527130-C-A.
Other names: c.1887C>A, p.Cys629Ter (NM_001407240.1); c.1806C>A, p.Cys602Ter (NM_001407241.1); c.1767C>A, p.Cys589Ter (NM_001407242.1); c.1707C>A, p.Cys569Ter (NM_001407243.1); c.1590C>A, p.Cys530Ter (NM_001407244.1); c.1572C>A, p.Cys524Ter (NM_001407245.1); c.1389C>A, p.Cys463Ter (NM_001407246.1); c.1263C>A, p.Cys421Ter (NM_001407247.1); short protein forms C421*, C463*, C524*, C530*, C569*, C588*, C589*, C602*.
Identifiers: ClinVar variation 3075028 (VCV003075028.1), dbSNP rs368516937, ClinGen allele CA340480316.

ClinVar aggregate classification (germline): Likely benign (1 of 4 stars; one submission).

Conditions:
Hypercholesterolemia, autosomal dominant, 3 (FHCL3). Also called: Familial Hypercholesterolemia, Autosomal Dominant, 3; PCSK9-Related Familial Hypercholesterolemia, Autosomal Dominant; Familial hypercholesterolemia 3. Identifiers: MedGen C1863551, MONDO:0011369, OMIM 603776.

Submission:

All of Us Research Program, National Institutes of Health
Classification: Likely benign for Hypercholesterolemia, autosomal dominant, 3. Last evaluated: 2023-12-13. Review status: criteria provided, single submitter. Criteria: ACMG Guidelines, 2015. Collection method: clinical testing. Allele origin: germline. Inheritance: Autosomal dominant inheritance. Observed: 1 variant allele, 1 heterozygote.
Comment: This study involves interpretation of variants in research participants for the purpose of population health screening. Participant phenotype was not available at the time of variant classification. Additional details can be found in publication PMID: 35346344, PMCID: PMC8962531